The following is an entry in ClinVar:

NM_001377.3(DYNC2H1):c.12836G>A (p.Arg4279His)

Gene: DYNC2H1 (dynein cytoplasmic 2 heavy chain 1; plus strand). Cytogenetic location: 11q22.3.
Variant type: single nucleotide variant.
Coding change: c.12836G>A on transcript NM_001377.3 (MANE Select); coding-DNA position 12836, G replaced by A.
Protein change: p.Arg4279His; replaces arginine 4279 with histidine.
Molecular consequence: missense variant.
Genome position (GRCh38, 1-based): chr11:103,479,165, G>A. VCF-style: chr11-103479165-G-A. GRCh37 (hg19) VCF-style: chr11-103349893-G-A.
Other names: c.12857G>A, p.Arg4286His (NM_001080463.2); short protein forms R4286H, R4279H.
Identifiers: ClinVar variation 2168905 (VCV002168905.2), dbSNP rs541028343, ClinGen allele CA6255698.

ClinVar aggregate classification (germline): Uncertain significance. Review status: criteria provided, multiple submitters, no conflicts (2 of 4 stars). 2 submissions from 2 submitters: Uncertain significance (2). Last evaluated 2023-06-14.

Conditions:
Jeune thoracic dystrophy. Also called: Short-rib thoracic dysplasia; Jeune syndrome; Infantile thoracic dystrophy; Thoracic pelvic phalangeal dystrophy; Jeune's syndrome; Chondroectodermal dysplasia-like syndrome. Identifiers: Orphanet 474, MedGen C0265275, MONDO:0018770.

gnomAD v4.1: 15 of 1,613,804 alleles (0.00093%); highest among the groups gnomAD compares: Admixed American, 0.013%; no homozygotes.

Submissions (2):

Blueprint Genetics
Classification: Uncertain significance. Last evaluated: 2023-06-14. Review status: criteria provided, single submitter. Criteria: ACMG Guidelines, 2015. Collection method: clinical testing. Allele origin: germline.

Labcorp Genetics (formerly Invitae), Labcorp
Classification: Uncertain significance for Jeune thoracic dystrophy. Last evaluated: 2022-06-16. Review status: criteria provided, single submitter. Criteria: Invitae Variant Classification Sherloc (09022015). Collection method: clinical testing. Allele origin: germline.
Comment: This sequence change replaces arginine, which is basic and polar, with histidine, which is basic and polar, at codon 4286 of the DYNC2H1 protein (p.Arg4286His). This variant is present in population databases (rs541028343, gnomAD 0.03%). This variant has not been reported in the literature in individuals affected with DYNC2H1-related conditions. Advanced modeling of protein sequence and biophysical properties (such as structural, functional, and spatial information, amino acid conservation, physicochemical variation, residue mobility, and thermodynamic stability) performed at Invitae indicates that this missense variant is not expected to disrupt DYNC2H1 protein function. In summary, the available evidence is currently insufficient to determine the role of this variant in disease. Therefore, it has been classified as a Variant of Uncertain Significance.